The following is an entry in ClinVar:

ClinVar aggregate classification (germline): Likely pathogenic (1 of 4 stars; one submission).

Submission:

GeneDx
Classification: Likely pathogenic. Last evaluated: 2016-06-27. Review status: criteria provided, single submitter. Criteria: GeneDx Variant Classification (06012015). Collection method: clinical testing. Allele origin: germline. Affected: yes.
Comment: The E137K variant in the CACNA1A gene has not been reported previously as a pathogenic variant, nor as a benign variant, to our knowledge. It was not observed in approximately 6500 individuals of European and African American ancestry in the NHLBI Exome Sequencing Project, indicating it is not a common benign variant in these populations. The E137K variant is a non-conservative amino acid substitution that alters a conserved position within the S2 helical transmembrane segment of the first homologous domain. In silico analysis predicts this variant is probably damaging to the protein structure/function. The E137K variant is a strong candidate for a pathogenic variant, however the possibility it may be a rare benign variant cannot be excluded.

NM_001127222.2(CACNA1A):c.409G>A (p.Glu137Lys)

Gene: CACNA1A (calcium voltage-gated channel subunit alpha1 A; minus strand). Cytogenetic location: 19p13.13.
Variant type: single nucleotide variant.
Coding change: c.409G>A on transcript NM_001127222.2 (MANE Select); coding-DNA position 409, G replaced by A.
Protein change: p.Glu137Lys; replaces glutamic acid 137 with lysine.
Molecular consequence: missense variant.
Genome position (GRCh38, 1-based): chr19:13,453,006, C>T on the plus strand (G>A on the coding strand, the complement: CACNA1A is on the minus strand). VCF-style: chr19-13453006-C-T. GRCh37 (hg19) VCF-style: chr19-13563820-C-T.
Other names: c.409G>A, p.Glu137Lys (NM_000068.4, NM_001127221.2, NM_001174080.2 and 1 more transcripts); short protein forms E137K.
Identifiers: ClinVar variation 372981 (VCV000372981.1), dbSNP rs1057518116, ClinGen allele CA16043080.